The following is an entry in ClinVar:

ClinVar aggregate classification (germline): Uncertain significance. Review status: criteria provided, multiple submitters, no conflicts (2 of 4 stars). 8 submissions from 8 submitters: Uncertain significance (7). 1 of the submissions does not count toward it. Last evaluated 2026-03-12.

Conditions:
Deficiency of acetyl-CoA acetyltransferase. Also called: MITOCHONDRIAL ACETOACETYL-CoA THIOLASE DEFICIENCY; 3-KETOTHIOLASE DEFICIENCY; 3-OXOTHIOLASE DEFICIENCY; Beta-ketothiolase deficiency. Identifiers: Orphanet 134, MedGen C1536500, MONDO:0008760, OMIM 203750. Disease mechanism: loss of function.
ACAT1-related disorder. Also called: ACAT1-related condition.
Inborn genetic diseases. Identifiers: MedGen C0950123, MeSH D030342.

Allele frequency attached by ClinVar (database versions not stated): ExAC 0.00028; TOPMed 0.00028; gnomAD 0.00029 and 0.00030; gnomAD exomes 0.00032 and 0.00055; ESP Exome Variant Server 0.00038.
gnomAD v4.1: 836 of 1,613,782 alleles (0.052%); highest among the groups gnomAD compares: Non-Finnish European, 0.064%; no homozygotes.

Submissions (8):

PreventionGenetics, part of Exact Sciences
Classification: Uncertain significance for ACAT1-related condition. Last evaluated: 2026-03-12. Review status: criteria provided, single submitter. Criteria: ACMG Guidelines, 2015. Collection method: clinical testing. Allele origin: germline.
Comment: The ACAT1 c.1217A>G variant is predicted to result in the amino acid substitution p.Glu406Gly. To our knowledge, this variant has not been reported in the literature. This variant is reported in 0.052% of alleles in individuals of European (Non-Finnish) descent in gnomAD. At this time, the clinical significance of this variant is uncertain due to the absence of conclusive functional and genetic evidence.

ARUP Laboratories, Molecular Genetics and Genomics, ARUP Laboratories
Classification: Uncertain significance for Deficiency of acetyl-CoA acetyltransferase. Last evaluated: 2025-04-03. Review status: criteria provided, single submitter. Criteria: ARUP Molecular Germline Variant Investigation Process 2024. Collection method: clinical testing. Allele origin: germline.
Comment: The ACAT1 c.1217A>G; p.Glu406Gly variant (rs147872303), to our knowledge, is not reported in the medical literature in ACAT1-related disorders but is reported in ClinVar (Variation ID: 302208). This variant is found in the general population with an overall allele frequency of 0.03% (90/282,774 alleles) in the Genome Aggregation Database (v2.1.1). Computational analyses are uncertain whether this variant is neutral or deleterious (REVEL: 0.631). Due to limited information, the clinical significance of this variant is uncertain at this time.

Blueprint Genetics
Classification: Uncertain significance. Last evaluated: 2024-10-11. Review status: criteria provided, single submitter. Criteria: ACMG Guidelines, 2015. Collection method: clinical testing. Allele origin: germline.

Institute for Clinical Genetics, University Hospital TU Dresden, University Hospital TU Dresden
Classification: Uncertain significance. Last evaluated: 2022-08-12. Review status: criteria provided, single submitter. Criteria: ACMG Guidelines, 2015. Collection method: clinical testing. Allele origin: germline.
Comment: PP3

Labcorp Genetics (formerly Invitae), Labcorp
Classification: Uncertain significance for Deficiency of acetyl-CoA acetyltransferase. Last evaluated: 2022-07-27. Review status: criteria provided, single submitter. Criteria: Invitae Variant Classification Sherloc (09022015). Collection method: clinical testing. Allele origin: germline.
Comment: This sequence change replaces glutamic acid, which is acidic and polar, with glycine, which is neutral and non-polar, at codon 406 of the ACAT1 protein (p.Glu406Gly). This variant is present in population databases (rs147872303, gnomAD 0.05%). This variant has not been reported in the literature in individuals affected with ACAT1-related conditions. ClinVar contains an entry for this variant (Variation ID: 302208). Advanced modeling of protein sequence and biophysical properties (such as structural, functional, and spatial information, amino acid conservation, physicochemical variation, residue mobility, and thermodynamic stability) performed at Invitae indicates that this missense variant is expected to disrupt ACAT1 protein function. In summary, the available evidence is currently insufficient to determine the role of this variant in disease. Therefore, it has been classified as a Variant of Uncertain Significance.

Ambry Genetics
Classification: Uncertain significance for Inborn genetic diseases. Last evaluated: 2021-05-01. Review status: criteria provided, single submitter. Criteria: Ambry Variant Classification Scheme 2023. Collection method: clinical testing. Allele origin: germline.

Illumina Laboratory Services, Illumina
Classification: Uncertain significance for Deficiency of acetyl-CoA acetyltransferase. Last evaluated: 2018-01-13. Review status: criteria provided, single submitter. Criteria: ICSL Variant Classification Criteria 13 December 2019. Collection method: clinical testing. Allele origin: germline.

Natera, Inc.
Classification: Uncertain significance for Alpha-methylacetoacetic aciduria. Last evaluated: 2020-04-11. Review status: no assertion criteria provided. Collection method: clinical testing. Allele origin: germline. Not counted in ClinVar's aggregate classification.

NM_000019.4(ACAT1):c.1217A>G (p.Glu406Gly)

Gene: ACAT1 (acetyl-CoA acetyltransferase 1; plus strand). Cytogenetic location: 11q22.3.
Variant type: single nucleotide variant.
Coding change: c.1217A>G on transcript NM_000019.4 (MANE Select); coding-DNA position 1217, A replaced by G.
Protein change: p.Glu406Gly; replaces glutamic acid 406 with glycine.
Molecular consequence: missense variant.
Genome position (GRCh38, 1-based): chr11:108,147,323, A>G. VCF-style: chr11-108147323-A-G. GRCh37 (hg19) VCF-style: chr11-108018050-A-G.
Other names: c.1217A>G, p.Glu406Gly (LRG_1400t1); short protein forms E406G.
Identifiers: ClinVar variation 302208 (VCV000302208.14), dbSNP rs147872303, ClinGen allele CA6263408.
Genomic context (GRCh38, chr11:108,147,323, plus strand): 5'-ATTTTAGGATGTCTGGAGCCAGGATTGTTGGTCATTTGACTCATGCCTTGAAGCAAGGAG[A>G]ATACGGTCTTGCCAGTATTTGCAATGGAGGAGGAGGTGCTTCTGCCATGCTAATTCAGAA-3'
Protein context (NP_000010.1, residues 396-416): GHLTHALKQG[Glu406Gly]YGLASICNGG